The following is an entry in ClinVar:

NM_001378615.1(CC2D2A):c.3932A>G (p.Gln1311Arg)

Genes: CC2D2A (coiled-coil and C2 domain containing 2A; plus strand), FBXL5 (F-box and leucine rich repeat protein 5; minus strand). Cytogenetic location: 4p15.32.
Variant type: single nucleotide variant.
Coding change: c.3932A>G on transcript NM_001378615.1 (MANE Select); coding-DNA position 3932, A replaced by G.
Protein change: p.Gln1311Arg; replaces glutamine 1311 with arginine.
Molecular consequence: missense variant.
Genome position (GRCh38, 1-based): chr4:15,580,128, A>G. VCF-style: chr4-15580128-A-G. GRCh37 (hg19) VCF-style: chr4-15581751-A-G.
Other names: c.3932A>G, p.Gln1311Arg (NM_001080522.2); c.3785A>G, p.Gln1262Arg (NM_001378617.1); short protein forms Q1262R, Q1311R.
Identifiers: ClinVar variation 2633816 (VCV002633816.1), dbSNP rs2475106448, ClinGen allele CA356426516.

ClinVar aggregate classification (germline): Uncertain significance (1 of 4 stars; one submission).

Conditions:
CC2D2A-related disorder. Also called: CC2D2A-related disorders; CC2D2A-related condition. Identifiers: MedGen CN239313.

Submission:

PreventionGenetics, part of Exact Sciences
Classification: Uncertain significance for CC2D2A-related condition. Last evaluated: 2023-03-30. Review status: criteria provided, single submitter. Criteria: ACMG Guidelines, 2015. Collection method: clinical testing. Allele origin: germline.
Comment: The CC2D2A c.3932A>G variant is predicted to result in the amino acid substitution p.Gln1311Arg. To our knowledge, this variant has not been reported in the literature or in a large population database, indicating this variant is rare. At this time, the clinical significance of this variant is uncertain due to the absence of conclusive functional and genetic evidence.